The following is an entry in ClinVar:

ClinVar aggregate classification (germline): Uncertain significance. Review status: criteria provided, multiple submitters, no conflicts (2 of 4 stars). 3 submissions from 3 submitters: Uncertain significance (3). Last evaluated 2026-09-25.

Conditions:
Neuropathy, hereditary sensory, type 2C. Also called: Hereditary sensory and autonomic neuropathy type IIC; KIF1A-Related HSAN2 (HSAN2C). Identifiers: Orphanet 970, MedGen C3280168, MONDO:0013634, OMIM 614213.
Hereditary spastic paraplegia 30. Identifiers: Orphanet 101010, MedGen C5235139, MONDO:0012476.
Intellectual disability, autosomal dominant 9 (NESCAVS). Also called: NESCAV SYNDROME; KIF1A-Related Neurodevelopmental Disorder. Identifiers: Orphanet 662367, MedGen C5393830, MONDO:0013656, OMIM 614255.

gnomAD v4.1: 4 of 1,611,966 alleles (0.00025%); highest among the groups gnomAD compares: Non-Finnish European, 0.00034%; no homozygotes.

Submissions (3):

GeneDx
Classification: Uncertain significance. Last evaluated: 2026-09-25. Review status: criteria provided, single submitter. Criteria: GeneDx Variant Classification Process June 2021. Collection method: clinical testing. Allele origin: germline.
Comment: Not observed at significant frequency in large population cohorts (gnomAD); In silico analysis supports that this missense variant has a deleterious effect on protein structure/function; Has not been previously published as pathogenic or benign to our knowledge

Revvity Omics, Revvity
Classification: Uncertain significance. Last evaluated: 2025-02-06. Review status: criteria provided, single submitter. Criteria: ACMG Guidelines, 2015. Collection method: clinical testing. Allele origin: germline.

Labcorp Genetics (formerly Invitae), Labcorp
Classification: Uncertain significance for Hereditary spastic paraplegia 30; Neuropathy, hereditary sensory, type 2C; Intellectual disability, autosomal dominant 9. Last evaluated: 2024-03-09. Review status: criteria provided, single submitter. Criteria: Invitae Variant Classification Sherloc (09022015). Collection method: clinical testing. Allele origin: germline.
Comment: This sequence change replaces arginine, which is basic and polar, with histidine, which is basic and polar, at codon 1294 of the KIF1A protein (p.Arg1294His). This variant is not present in population databases (gnomAD no frequency). This variant has not been reported in the literature in individuals affected with KIF1A-related conditions. Advanced modeling of protein sequence and biophysical properties (such as structural, functional, and spatial information, amino acid conservation, physicochemical variation, residue mobility, and thermodynamic stability) performed at Invitae indicates that this missense variant is not expected to disrupt KIF1A protein function with a negative predictive value of 95%. In summary, the available evidence is currently insufficient to determine the role of this variant in disease. Therefore, it has been classified as a Variant of Uncertain Significance.

NM_001244008.2(KIF1A):c.4184G>A (p.Arg1395His)

Gene: KIF1A (kinesin family member 1A; minus strand). Cytogenetic location: 2q37.3.
Variant type: single nucleotide variant.
Coding change: c.4184G>A on transcript NM_001244008.2 (MANE Select); coding-DNA position 4184, G replaced by A.
Protein change: p.Arg1395His; replaces arginine 1395 with histidine.
Molecular consequence: missense variant.
Genome position (GRCh38, 1-based): chr2:240,725,343, C>T on the plus strand (G>A on the coding strand, the complement: KIF1A is on the minus strand). VCF-style: chr2-240725343-C-T. GRCh37 (hg19) VCF-style: chr2-241664760-C-T.
Other names: c.3908G>A, p.Arg1303His (NM_001320705.2, NM_001379649.1); c.3935G>A, p.Arg1312His (NM_001330289.2); c.3983G>A, p.Arg1328His (NM_001330290.2, NM_001379648.1); c.4259G>A, p.Arg1420His (NM_001379631.1); c.4160G>A, p.Arg1387His (NM_001379632.1); c.4157G>A, p.Arg1386His (NM_001379633.1, NM_001379645.1); c.4010G>A, p.Arg1337His (NM_001379634.1); c.4007G>A, p.Arg1336His (NM_001379635.1, NM_001379646.1); and 7 more; short protein forms R1293H, R1294H, R1302H, R1303H, R1311H, R1312H, R1319H, R1328H.
Identifiers: ClinVar variation 3573518 (VCV003573518.5).
Genomic context (GRCh38, chr2:240,725,343, plus strand): 5'-CGAAGGCTCCCACTGCCAAAGAGGTTGCGGATGGAGCGCGAGGCTGGCAGCTTGGCATCA[C>T]GGGAATAGAAGACCATGCAGAAGTCCTTGGTGACAACAGCCGGCTGGGTGCAGTTCTCCA-3'
Protein context (NP_001230937.1, residues 1385-1405): TKDFCMVFYS[Arg1395His]DAKLPASRSI